The following is an entry in ClinVar:

NM_006231.4(POLE):c.583C>A (p.Leu195Met)

Gene: POLE (DNA polymerase epsilon, catalytic subunit; minus strand). Cytogenetic location: 12q24.33.
Variant type: single nucleotide variant.
Coding change: c.583C>A on transcript NM_006231.4 (MANE Select); coding-DNA position 583, C replaced by A.
Protein change: p.Leu195Met; replaces leucine 195 with methionine.
Molecular consequence: missense variant.
Genome position (GRCh38, 1-based): chr12:132,677,715, G>T on the plus strand (C>A on the coding strand, the complement: POLE is on the minus strand). VCF-style: chr12-132677715-G-T. GRCh37 (hg19) VCF-style: chr12-133254301-G-T.
Other names: short protein forms L195M.
Identifiers: ClinVar variation 3660935 (VCV003660935.2).

ClinVar aggregate classification (germline): Uncertain significance (1 of 4 stars; one submission).

Submission:

Labcorp Genetics (formerly Invitae), Labcorp
Classification: Uncertain significance. Last evaluated: 2024-07-30. Review status: criteria provided, single submitter. Criteria: Invitae Variant Classification Sherloc (09022015). Collection method: clinical testing. Allele origin: germline.
Comment: This sequence change replaces leucine, which is neutral and non-polar, with methionine, which is neutral and non-polar, at codon 195 of the POLE protein (p.Leu195Met). This variant is not present in population databases (gnomAD no frequency). This variant has not been reported in the literature in individuals affected with POLE-related conditions. Advanced modeling of protein sequence and biophysical properties (such as structural, functional, and spatial information, amino acid conservation, physicochemical variation, residue mobility, and thermodynamic stability) performed at Invitae indicates that this missense variant is not expected to disrupt POLE protein function with a negative predictive value of 80%. In summary, the available evidence is currently insufficient to determine the role of this variant in disease. Therefore, it has been classified as a Variant of Uncertain Significance.